The following is an entry in ClinVar:

NM_000187.4(HGD):c.342+1G>T

Gene: HGD (homogentisate 1,2-dioxygenase; minus strand). Cytogenetic location: 3q13.33.
Variant type: single nucleotide variant.
Coding change: c.342+1G>T on transcript NM_000187.4 (MANE Select); the canonical splice donor site of the intron after coding-DNA position 342, G replaced by T.
Molecular consequence: splice donor variant.
Genome position (GRCh38, 1-based): chr3:120,652,591, C>A on the plus strand (G>T on the coding strand, the complement: HGD is on the minus strand). VCF-style: chr3-120652591-C-A. GRCh37 (hg19) VCF-style: chr3-120371438-C-A.
Identifiers: ClinVar variation 189127 (VCV000189127.14), dbSNP rs397515518, ClinGen allele CA277988.

ClinVar aggregate classification (germline): Pathogenic. Review status: criteria provided, multiple submitters, no conflicts (2 of 4 stars). 4 submissions from 4 submitters: Pathogenic (2). 2 of the submissions do not count toward it. Last evaluated 2024-03-14.

Conditions:
Alkaptonuria (AKU). Also called: Homogentisic acidura; Alkaptonuric ochronosis; HOMOGENTISIC ACID OXIDASE DEFICIENCY; Alcaptonuria. Identifiers: Orphanet 56, MedGen C0002066, MONDO:0008753, OMIM 203500.

Allele frequency attached by ClinVar (database versions not stated): gnomAD exomes 0.00002; TOPMed 0.00001; ExAC 0.00002.
gnomAD v4.1: 54 of 1,610,356 alleles (0.0034%); highest among the groups gnomAD compares: Non-Finnish European, 0.0044%; no homozygotes.

Submissions (4):

Labcorp Genetics (formerly Invitae), Labcorp
Classification: Pathogenic for Alkaptonuria. Last evaluated: 2024-03-14. Review status: criteria provided, single submitter. Criteria: Invitae Variant Classification Sherloc (09022015). Collection method: clinical testing. Allele origin: germline.
Comment: This sequence change affects a donor splice site in intron 5 of the HGD gene. It is expected to disrupt RNA splicing. Variants that disrupt the donor or acceptor splice site typically lead to a loss of protein function (PMID: 16199547), and loss-of-function variants in HGD are known to be pathogenic (PMID: 12501223, 19862842). This variant is present in population databases (rs397515518, gnomAD 0.003%). Disruption of this splice site has been observed in individuals with alkaptonuria (PMID: 9529363, 10482952, 25681086). This variant is also known as c.509+1G>T. ClinVar contains an entry for this variant (Variation ID: 189127). Algorithms developed to predict the effect of sequence changes on RNA splicing suggest that this variant may disrupt the consensus splice site. For these reasons, this variant has been classified as Pathogenic.

Fulgent Genetics
Classification: Pathogenic for Alkaptonuria. Last evaluated: 2022-01-25. Review status: criteria provided, single submitter. Criteria: ACMG Guidelines, 2015. Collection method: clinical testing. Allele origin: unknown.

Counsyl
Classification: Likely pathogenic for Alkaptonuria. Last evaluated: 2015-01-15. Review status: no assertion criteria provided. Collection method: literature only. Allele origin: unknown. Inheritance: Autosomal recessive inheritance. Not counted in ClinVar's aggregate classification.

Department Of Human Genetics, Institute Of Clinical And Translational Research, Biomedical Research Center, Slovak Academy Of Sciences
Classification: Pathogenic for Alkaptonuria. Review status: no assertion criteria provided. Collection method: research. Allele origin: germline. Inheritance: Autosomal recessive inheritance. Affected: yes. Observed: 9 variant alleles. Not counted in ClinVar's aggregate classification.
Comment: The variant was originally described in AKU patient in PMID:9529363. It has been submitted to the HGD gene mutation database (DB-ID: AKU_00024).

Literature cited by the submitters: PubMed 16199547 (cited by Labcorp Genetics (formerly Invitae), Labcorp); PubMed 12501223 (cited by Labcorp Genetics (formerly Invitae), Labcorp and Counsyl); PubMed 19862842 (cited by Labcorp Genetics (formerly Invitae), Labcorp and Counsyl); PubMed 9529363 (cited by 3 submitters); PubMed 10482952 (cited by Labcorp Genetics (formerly Invitae), Labcorp); PubMed 25681086 (cited by Labcorp Genetics (formerly Invitae), Labcorp); PubMed 21720873 (cited by Counsyl).